The following is an entry in ClinVar:

ClinVar aggregate classification (germline): Likely benign (1 of 4 stars; one submission).

Conditions:
CACNA2D3-related disorder. Also called: CACNA2D3-related condition.

gnomAD v4.1: 1 of 1,602,608 alleles (0.000062%); highest among the groups gnomAD compares: East Asian, 0.0022%; no homozygotes.

Submission:

PreventionGenetics, part of Exact Sciences
Classification: Likely benign for CACNA2D3-related condition. Last evaluated: 2024-10-09. Review status: criteria provided, single submitter. Criteria: ACMG Guidelines, 2015. Collection method: clinical testing. Allele origin: germline.
Comment: This variant is classified as likely benign based on ACMG/AMP sequence variant interpretation guidelines (Richards et al. 2015 PMID: 25741868, with internal and published modifications).

NM_018398.3(CACNA2D3):c.2369-4A>C

Genes: CACNA2D3 (calcium voltage-gated channel auxiliary subunit alpha2delta 3; plus strand), CACNA2D3-AS1 (CACNA2D3 antisense RNA 1; minus strand). Cytogenetic location: 3p14.3.
Variant type: single nucleotide variant.
Coding change: c.2369-4A>C on transcript NM_018398.3 (MANE Select); 4 bases into the intron before coding-DNA position 2369, A replaced by C.
Molecular consequence: intron variant.
Genome position (GRCh38, 1-based): chr3:54,899,784, A>C. VCF-style: chr3-54899784-A-C. GRCh37 (hg19) VCF-style: chr3-54933811-A-C.
Identifiers: ClinVar variation 4983776 (VCV004983776.1).
Genomic context (GRCh38, chr3:54,899,784, plus strand): 5'-TACTCTCTTAACGTGTACACTGTAATTATCTTCATTTTTGTTGTGGTGTTTTTTCTTTTC[A>C]CAGGACCAGTCAATAAAAGCAATGTGGTGACAGCAAGTACATCCATCCAGCTCCTGGATG-3'